The following is an entry in ClinVar:

NM_003839.4(TNFRSF11A):c.344C>T (p.Thr115Met)

Gene: TNFRSF11A (TNF receptor superfamily member 11a; plus strand). Cytogenetic location: 18q21.33.
Variant type: single nucleotide variant.
Coding change: c.344C>T on transcript NM_003839.4 (MANE Select); coding-DNA position 344, C replaced by T.
Protein change: p.Thr115Met; replaces threonine 115 with methionine.
Molecular consequence: missense variant.
Genome position (GRCh38, 1-based): chr18:62,354,451, C>T. VCF-style: chr18-62354451-C-T. GRCh37 (hg19) VCF-style: chr18-60021684-C-T.
Other names: c.344C>T, p.Thr115Met (NM_001270949.2, NM_001270950.2, NM_001270951.2 and 1 more transcripts); short protein forms T115M.
Identifiers: ClinVar variation 2421022 (VCV002421022.5), dbSNP rs752138491, ClinGen allele CA8983707.

ClinVar aggregate classification (germline): Uncertain significance (1 of 4 stars; one submission).

Allele frequency attached by ClinVar (database versions not stated): gnomAD exomes below 0.00001; TOPMed below 0.00001; ExAC 0.00001; gnomAD 0.00001.
gnomAD v4.1: 6 of 1,600,328 alleles (0.00037%); highest among the groups gnomAD compares: African/African-American, 0.0027%; no homozygotes.

Submission:

Labcorp Genetics (formerly Invitae), Labcorp
Classification: Uncertain significance. Last evaluated: 2022-03-13. Review status: criteria provided, single submitter. Criteria: Invitae Variant Classification Sherloc (09022015). Collection method: clinical testing. Allele origin: germline.
Comment: This sequence change replaces threonine, which is neutral and polar, with methionine, which is neutral and non-polar, at codon 115 of the TNFRSF11A protein (p.Thr115Met). The frequency data for this variant in the population databases is considered unreliable, as metrics indicate poor data quality at this position in the gnomAD database. This variant has not been reported in the literature in individuals affected with TNFRSF11A-related conditions. Algorithms developed to predict the effect of missense changes on protein structure and function output the following: SIFT: "Deleterious"; PolyPhen-2: "Benign"; Align-GVGD: "Class C15". The methionine amino acid residue is found in multiple mammalian species, which suggests that this missense change does not adversely affect protein function. In summary, the available evidence is currently insufficient to determine the role of this variant in disease. Therefore, it has been classified as a Variant of Uncertain Significance.